The following is an entry in ClinVar:

NM_002294.3(LAMP2):c.371_372del (p.Thr124fs)

Gene: LAMP2 (lysosome associated membrane protein 2; minus strand). Cytogenetic location: Xq24.
Variant type: Microsatellite.
Coding change: c.371_372del on transcript NM_002294.3 (MANE Select); coding-DNA positions 371 to 372, 2 bases deleted (CA; older notation c.371_372delCA).
Protein change: p.Thr124fs; shifts the reading frame from threonine 124.
Molecular consequence: frameshift variant.
Genome position (GRCh38, 1-based): chrX:120,455,382-120,455,383, TG deleted on the plus strand (CA on the coding strand, the reverse complement: LAMP2 is on the minus strand); deleting any 2 consecutive bases within chrX:120,455,382-120,455,386 gives the same sequence; the c. name uses the placement nearest the transcript's 3' end. VCF-style (leftmost placement, unchanged base first): chrX-120455381-TTG-T. GRCh37 (hg19) VCF-style: chrX-119589236-TTG-T.
Other names: c.371_372del, p.Thr124fs (NM_001122606.1, NM_013995.2); short protein forms T124fs.
Identifiers: ClinVar variation 4856007 (VCV004856007.1).

ClinVar aggregate classification (germline): Likely pathogenic (1 of 4 stars; one submission).

Conditions:
Danon disease. Also called: ANTOPOL DISEASE; PSEUDOGLYCOGENOSIS II; GSD IIb; LYSOSOMAL GLYCOGEN STORAGE DISEASE WITHOUT ACID MALTASE DEFICIENCY; Glycogen Storage Disease Type IIb. Identifiers: Orphanet 34587, MedGen C0878677, MONDO:0010281, OMIM 300257.

Submission:

3billion
Classification: Likely pathogenic for Danon disease. Last evaluated: 2025-06-02. Review status: criteria provided, single submitter. Criteria: ACMG Guidelines, 2015. Collection method: clinical testing. Allele origin: germline. Affected: yes.
Comment: The variant is not observed in the gnomAD v4.1.0 dataset. Predicted Consequence/Location: Frameshift: predicted to result in a loss or disruption of normal protein function through nonsense-mediated decay (NMD) or protein truncation. Multiple pathogenic variants are reported downstream of the variant. Therefore, this variant is classified as Likely pathogenic according to the recommendation of ACMG/AMP guideline.